The following is an entry in ClinVar:

ClinVar aggregate classification (germline): Uncertain significance. Review status: criteria provided, multiple submitters, no conflicts (2 of 4 stars). 3 submissions from 3 submitters: Uncertain significance (3). Last evaluated 2026-08-17.

Conditions:
Long QT syndrome (LQTS). Identifiers: MedGen C0023976, MeSH D008133, MONDO:0002442. Disease mechanism: loss of function. Inheritance: Various modes of inheritance.
Cardiovascular phenotype. Identifiers: MedGen CN230736.

Allele frequency attached by ClinVar (database versions not stated): gnomAD exomes below 0.00001.
gnomAD v4.1: 3 of 1,614,204 alleles (0.00019%); highest among the groups gnomAD compares: South Asian, 0.0022%; no homozygotes.

Submissions (3):

Ambry Genetics
Classification: Uncertain significance for Cardiovascular phenotype. Last evaluated: 2026-08-17. Review status: criteria provided, single submitter. Criteria: Ambry Variant Classification Scheme 2023. Collection method: clinical testing. Allele origin: germline.
Comment: The p.K608R variant (also known as c.1823A>G), located in coding exon 7 of the KCNH2 gene, results from an A to G substitution at nucleotide position 1823. The lysine at codon 608 is replaced by arginine, an amino acid with highly similar properties. This variant was reported in individual(s) with features consistent with long QT syndrome (Aljassar RW et al. Genet Med Open, 2024 Jul;2:101868). In an assay testing KCNH2 function, this variant showed a functionally abnormal result (Aljassar RW et al. Genet Med Open, 2024 Jul;2:101868). This amino acid position is highly conserved in available vertebrate species. In addition, this alteration is predicted to be deleterious by in silico analysis. Based on the available evidence, the clinical significance of this variant remains unclear.

All of Us Research Program, National Institutes of Health
Classification: Uncertain significance for Long QT syndrome. Last evaluated: 2024-01-11. Review status: criteria provided, single submitter. Criteria: ACMG Guidelines, 2015. Collection method: clinical testing. Allele origin: germline. Inheritance: Autosomal dominant inheritance. Observed: 1 variant allele, 1 heterozygote.
Comment: This study involves interpretation of variants in research participants for the purpose of population health screening. Participant phenotype was not available at the time of variant classification. Additional details can be found in publication PMID: 35346344, PMCID: PMC8962531

Labcorp Genetics (formerly Invitae), Labcorp
Classification: Uncertain significance for Long QT syndrome. Last evaluated: 2021-07-05. Review status: criteria provided, single submitter. Criteria: Invitae Variant Classification Sherloc (09022015). Collection method: clinical testing. Allele origin: germline.
Comment: This sequence change replaces lysine with arginine at codon 608 of the KCNH2 protein (p.Lys608Arg). The lysine residue is moderately conserved and there is a small physicochemical difference between lysine and arginine. This variant is not present in population databases (ExAC no frequency). In summary, the available evidence is currently insufficient to determine the role of this variant in disease. Therefore, it has been classified as a Variant of Uncertain Significance. Algorithms developed to predict the effect of sequence changes on RNA splicing suggest that this variant may create or strengthen a splice site. Algorithms developed to predict the effect of missense changes on protein structure and function (SIFT, PolyPhen-2, Align-GVGD) all suggest that this variant is likely to be tolerated. This variant has not been reported in the literature in individuals affected with KCNH2-related conditions.

Literature cited by the submitters: PubMed 39669639 (cited by Ambry Genetics).

NM_000238.4(KCNH2):c.1823A>G (p.Lys608Arg)

Gene: KCNH2 (potassium voltage-gated channel subfamily H member 2; minus strand). Cytogenetic location: 7q36.1.
Variant type: single nucleotide variant.
Coding change: c.1823A>G on transcript NM_000238.4 (MANE Select); coding-DNA position 1823, A replaced by G.
Protein change: p.Lys608Arg; replaces lysine 608 with arginine.
Molecular consequence: missense variant.
Genome position (GRCh38, 1-based): chr7:150,951,570, T>C on the plus strand (A>G on the coding strand, the complement: KCNH2 is on the minus strand). VCF-style: chr7-150951570-T-C. GRCh37 (hg19) VCF-style: chr7-150648658-T-C.
Other names: c.803A>G, p.Lys268Arg (NM_001204798.2, NM_172057.3); c.1535A>G, p.Lys512Arg (NM_001406753.1, NM_001406756.1); c.1646A>G, p.Lys549Arg (NM_001406755.1); c.1523A>G, p.Lys508Arg (NM_001406757.1); c.1823A>G, p.Lys608Arg (NM_172056.3); short protein forms K268R, K608R, K512R, K508R, K549R.
Identifiers: ClinVar variation 1503760 (VCV001503760.11), dbSNP rs2116960760, ClinGen allele CA369858006.
Genomic context (GRCh38, chr7:150,951,570, plus strand): 5'-CCGAAGCCCACACTGGTGAGGCTGCTGAAGGTGAAGTAGAGCGCCGTCACATACTTGTCC[T>C]TGATGGAGGGGCCGCCCAGGCCGCTGCTGTTGTAGGGTTTGCCTATCTGGTCGCCCAGGT-3'
Protein context (NP_000229.1, residues 598-618): NSSGLGGPSI[Lys608Arg]DKYVTALYFT